The following is an entry in ClinVar:

ClinVar aggregate classification (germline): Pathogenic/Likely pathogenic. Review status: criteria provided, multiple submitters, no conflicts (2 of 4 stars). 2 submissions from 2 submitters: Pathogenic (1); Likely pathogenic (1). Last evaluated 2024-05-06.

Conditions:
MAK-related disorders.

Submissions (2):

Labcorp Genetics (formerly Invitae), Labcorp
Classification: Pathogenic. Last evaluated: 2024-05-06. Review status: criteria provided, single submitter. Criteria: Invitae Variant Classification Sherloc (09022015). Collection method: clinical testing. Allele origin: germline.
Comment: This sequence change creates a premature translational stop signal (p.Ser188Lysfs*5) in the MAK gene. It is expected to result in an absent or disrupted protein product. Loss-of-function variants in MAK are known to be pathogenic (PMID: 21148103, 21825139, 24938718, 29781741). This variant is present in population databases (rs770308128, gnomAD 0.007%). This variant has not been reported in the literature in individuals affected with MAK-related conditions. ClinVar contains an entry for this variant (Variation ID: 1458339). For these reasons, this variant has been classified as Pathogenic.

Blueprint Genetics
Classification: Likely pathogenic for MAK-related disorders. Last evaluated: 2021-06-23. Review status: criteria provided, single submitter. Criteria: ACMG Guidelines, 2015. Collection method: clinical testing. Allele origin: germline. Affected: yes. Observed: 2 variant alleles.

Literature cited by the submitters: PubMed 21148103 (cited by Labcorp Genetics (formerly Invitae), Labcorp); PubMed 21825139 (cited by Labcorp Genetics (formerly Invitae), Labcorp); PubMed 24938718 (cited by Labcorp Genetics (formerly Invitae), Labcorp); PubMed 29781741 (cited by Labcorp Genetics (formerly Invitae), Labcorp).

NM_001242957.3(MAK):c.560dup (p.Ser188fs)

Gene: MAK (male germ cell associated kinase; minus strand). Cytogenetic location: 6p24.2.
Variant type: Duplication.
Coding change: c.560dup on transcript NM_001242957.3 (MANE Select); coding-DNA position 560, one base duplicated (G; older notation c.560dupG).
Protein change: p.Ser188fs; shifts the reading frame from serine 188.
Molecular consequence: frameshift variant. On other transcripts: non-coding transcript variant (2).
Genome position (GRCh38, 1-based): chr6:10,803,823, C duplicated on the plus strand (G on the coding strand, the reverse complement: MAK is on the minus strand); the first of 2 consecutive C bases (chr6:10,803,823-10,803,824); duplicating either gives the same sequence. VCF-style (leftmost placement, unchanged base first): chr6-10803822-T-TC. GRCh37 (hg19) VCF-style: chr6-10804055-T-TC.
Other names: c.560dup, p.Ser188fs (NM_001242385.2, NM_005906.6); c.458dup, p.Ser154fs (NM_001377262.1); short protein forms S188fs, S154fs.
Identifiers: ClinVar variation 1458339 (VCV001458339.7), dbSNP rs770308128, ClinGen allele CA3633675.
Genomic context (GRCh38, chr6:10,803,822, plus strand): 5'-ATCGACCTCACTTGTCCCTGGGAAAAGTGGCCTTAACATATAGAGTTCAGCCATGATACT[T>TC]CCAACAGCCCACACATCAATGGGAGAACTATAAACTGAAGATCTCAGTAAAACTTCAGGG-3'